The following is an entry in ClinVar:

ClinVar aggregate classification (germline): Uncertain significance. Review status: criteria provided, multiple submitters, no conflicts (2 of 4 stars). 2 submissions from 2 submitters: Uncertain significance (2). Last evaluated 2024-04-17.

Conditions:
Pierpont syndrome (PRPTS). Identifiers: Orphanet 487825, MedGen C1865644, MONDO:0011213, OMIM 602342.
Inborn genetic diseases. Identifiers: MedGen C0950123, MeSH D030342.

Allele frequency attached by ClinVar (database versions not stated): TOPMed 0.00002.

Submissions (2):

Labcorp Genetics (formerly Invitae), Labcorp
Classification: Uncertain significance for Pierpont syndrome. Last evaluated: 2024-04-17. Review status: criteria provided, single submitter. Criteria: Invitae Variant Classification Sherloc (09022015). Collection method: clinical testing. Allele origin: germline.
Comment: This sequence change replaces threonine, which is neutral and polar, with serine, which is neutral and polar, at codon 406 of the TBL1XR1 protein (p.Thr406Ser). This variant is not present in population databases (gnomAD no frequency). This variant has not been reported in the literature in individuals affected with TBL1XR1-related conditions. ClinVar contains an entry for this variant (Variation ID: 656204). Advanced modeling of protein sequence and biophysical properties (such as structural, functional, and spatial information, amino acid conservation, physicochemical variation, residue mobility, and thermodynamic stability) performed at Invitae indicates that this missense variant is not expected to disrupt TBL1XR1 protein function with a negative predictive value of 95%. In summary, the available evidence is currently insufficient to determine the role of this variant in disease. Therefore, it has been classified as a Variant of Uncertain Significance.

Ambry Genetics
Classification: Uncertain significance for Inborn genetic diseases. Last evaluated: 2019-06-28. Review status: criteria provided, single submitter. Criteria: Ambry Variant Classification Scheme 2023. Collection method: clinical testing. Allele origin: germline.
Comment: The p.T406S variant (also known as c.1217C>G), located in coding exon 11 of the TBL1XR1 gene, results from a C to G substitution at nucleotide position 1217. The threonine at codon 406 is replaced by serine, an amino acid with similar properties. This amino acid position is highly conserved in available vertebrate species. In addition, the in silico prediction for this alteration is inconclusive. Since supporting evidence is limited at this time, the clinical significance of this alteration remains unclear.

NM_024665.7(TBL1XR1):c.1217C>G (p.Thr406Ser)

Gene: TBL1XR1 (TBL1X/Y related 1; minus strand). Cytogenetic location: 3q26.32.
Variant type: single nucleotide variant.
Coding change: c.1217C>G on transcript NM_024665.7 (MANE Select); coding-DNA position 1217, C replaced by G.
Protein change: p.Thr406Ser; replaces threonine 406 with serine.
Molecular consequence: missense variant.
Genome position (GRCh38, 1-based): chr3:177,034,231, G>C on the plus strand (C>G on the coding strand, the complement: TBL1XR1 is on the minus strand). VCF-style: chr3-177034231-G-C. GRCh37 (hg19) VCF-style: chr3-176752019-G-C.
Other names: c.1217C>G, p.Thr406Ser (NM_001321193.3, NM_001321194.3, NM_001374327.1 and 2 more transcripts); c.956C>G, p.Thr319Ser (NM_001321195.3, NM_001374330.1); short protein forms T319S, T406S.
Identifiers: ClinVar variation 656204 (VCV000656204.9), dbSNP rs1020225336, ClinGen allele CA89087185.
Genomic context (GRCh38, chr3:177,034,231, plus strand): 5'-AAAGGAAAAATGAAACAGAAGTATCACCTTGCTAACATAAGGTTGGCATTTGGATTATTA[G>C]TCCCTGGTCCTGTTGGACTCCATTTGATAGTATAAATTTCTTTATTATGTGCTTGCAAAT-3'
Protein context (NP_078941.2, residues 396-416): TIKWSPTGPG[Thr406Ser]NNPNANLMLA